The following is an entry in ClinVar:

ClinVar aggregate classification (germline): Pathogenic/Likely pathogenic. Review status: criteria provided, multiple submitters, no conflicts (2 of 4 stars). 5 submissions from 5 submitters: Pathogenic (2); Likely pathogenic (1). 2 of the submissions do not count toward it. Last evaluated 2023-12-09.

Conditions:
Cerebrooculofacioskeletal syndrome 1 (COFS1). Also called: Cerebro-oculo-facio-skeletal syndrome 1. Identifiers: MedGen C0220722, MONDO:0008955, OMIM 214150.
DE SANCTIS-CACCHIONE SYNDROME. Identifiers: MedGen C0265201, MONDO:0010217, OMIM 278800.
Cockayne syndrome type 2 (CSB). Also called: COCKAYNE SYNDROME B; Cockayne Syndrome, Type II. Identifiers: Orphanet 191, Orphanet 90322, MedGen C0751038, MONDO:0019570, OMIM 133540.
Cockayne syndrome. Identifiers: Orphanet 191, MedGen C0009207, MONDO:0016006.

Allele frequency attached by ClinVar (database versions not stated): ESP Exome Variant Server 0.00008; TOPMed below 0.00001.

Submissions (5):

Labcorp Genetics (formerly Invitae), Labcorp
Classification: Pathogenic. Last evaluated: 2023-12-09. Review status: criteria provided, single submitter. Criteria: Invitae Variant Classification Sherloc (09022015). Collection method: clinical testing. Allele origin: germline.
Comment: This sequence change replaces tryptophan, which is neutral and slightly polar, with arginine, which is basic and polar, at codon 851 of the ERCC6 protein (p.Trp851Arg). This variant is not present in population databases (gnomAD no frequency). This missense change has been observed in individuals with ataxia-related phenotypes and/or Cockayne syndrome (PMID: 9443879, 29572252, 29915382, 32557569). ClinVar contains an entry for this variant (Variation ID: 210955). Advanced modeling of protein sequence and biophysical properties (such as structural, functional, and spatial information, amino acid conservation, physicochemical variation, residue mobility, and thermodynamic stability) has been performed at Invitae for this missense variant, however the output from this modeling did not meet the statistical confidence thresholds required to predict the impact of this variant on ERCC6 protein function. Experimental studies have shown that this missense change affects ERCC6 function (PMID: 9443879, 20122405, 25820262, 29203878). For these reasons, this variant has been classified as Pathogenic.

Women's Health and Genetics/Laboratory Corporation of America, LabCorp
Classification: Likely pathogenic for Cockayne syndrome. Last evaluated: 2022-02-23. Review status: criteria provided, single submitter. Criteria: LabCorp Variant Classification Summary - May 2015. Collection method: clinical testing. Allele origin: germline.
Comment: Variant summary: ERCC6 c.2551T>C (p.Trp851Arg) results in a non-conservative amino acid change located in the Helicase, C-terminal domain (IPR001650) of the encoded protein sequence. Five of five in-silico tools predict a damaging effect of the variant on protein function. The variant was absent in 251280 control chromosomes (gnomAD). c.2551T>C has been reported in the literature in individuals affected with Cockayne Syndrome or Cerebellar ataxia (Mallery_1998, Calmels_2018, Sun_2018). These data indicate that the variant may be associated with disease. Functional studies report experimental evidence evaluating an impact on protein function and this variant results in impaired in its ability to associate with chromatin in response to UV irradiation, failed to suppress the increase in 53BP1 and Rif1 damage foci formation in CSB-knockout cells and failed to recruit BRCA1 (Mallery_1998, Lake_2010, Batenburg_2015, Batenburg_2019). Four ClinVar submitters (evaluation after 2014) cite the variant as uncertain significance (n=1), likely pathogenic (n=1) and pathogenic (n=2). Based on the evidence outlined above, the variant was classified as likely pathogenic.

Genetic Services Laboratory, University of Chicago
Classification: Pathogenic for Cockayne syndrome, type B. Last evaluated: 2015-02-24. Review status: criteria provided, single submitter. Criteria: ACMG Guidelines, 2015. Collection method: clinical testing. Allele origin: germline. Affected: yes.

Biochemical Molecular Genetic Laboratory, King Abdulaziz Medical City
Classification: Pathogenic for Cockayne syndrome type 2. Last evaluated: 2019-08-25. Review status: no assertion criteria provided. Collection method: clinical testing. Allele origin: germline. Affected: yes. Not counted in ClinVar's aggregate classification.

Counsyl
Classification: Uncertain significance for Cockayne syndrome type 2; Cerebrooculofacioskeletal syndrome 1; DE SANCTIS-CACCHIONE SYNDROME. Last evaluated: 2018-03-20. Review status: no assertion criteria provided. Collection method: clinical testing. Allele origin: unknown. Not counted in ClinVar's aggregate classification.

Literature cited by the submitters: PubMed 9443879 (cited by 3 submitters); PubMed 29572252 (cited by Labcorp Genetics (formerly Invitae), Labcorp and Women's Health and Genetics/Laboratory Corporation of America, LabCorp); PubMed 29915382 (cited by Labcorp Genetics (formerly Invitae), Labcorp and Women's Health and Genetics/Laboratory Corporation of America, LabCorp); PubMed 32557569 (cited by Labcorp Genetics (formerly Invitae), Labcorp); PubMed 20122405 (cited by 3 submitters); PubMed 25820262 (cited by 3 submitters); PubMed 29203878 (cited by Labcorp Genetics (formerly Invitae), Labcorp and Counsyl); PubMed 31501894 (cited by Women's Health and Genetics/Laboratory Corporation of America, LabCorp); PubMed 26206375 (cited by Counsyl).

NM_000124.4(ERCC6):c.2551T>C (p.Trp851Arg)

Gene: ERCC6 (ERCC excision repair 6, chromatin remodeling factor; minus strand). Cytogenetic location: 10q11.23.
Variant type: single nucleotide variant.
Coding change: c.2551T>C on transcript NM_000124.4 (MANE Select); coding-DNA position 2551, T replaced by C.
Protein change: p.Trp851Arg; replaces tryptophan 851 with arginine.
Molecular consequence: missense variant.
Genome position (GRCh38, 1-based): chr10:49,474,074, A>G on the plus strand (T>C on the coding strand, the complement: ERCC6 is on the minus strand). VCF-style: chr10-49474074-A-G. GRCh37 (hg19) VCF-style: chr10-50682120-A-G.
Other names: c.2551T>C, p.Trp851Arg (NM_001346440.2); short protein forms W851R.
Identifiers: ClinVar variation 210955 (VCV000210955.16), dbSNP rs368728467, ClinGen allele CA277416.